The following is an entry in ClinVar:

ClinVar aggregate classification (germline): Uncertain significance (1 of 4 stars; one submission).

Allele frequency attached by ClinVar (database versions not stated): gnomAD exomes 0.00001.
gnomAD v4.1: 20 of 1,614,120 alleles (0.0012%); highest among the groups gnomAD compares: Non-Finnish European, 0.0017%; no homozygotes.

Submission:

GeneDx
Classification: Uncertain significance. Last evaluated: 2019-04-04. Review status: criteria provided, single submitter. Criteria: GeneDx Variant Classification Process June 2021. Collection method: clinical testing. Allele origin: germline. Affected: yes.
Comment: In silico analysis, which includes protein predictors and evolutionary conservation, supports a deleterious effect; Has not been previously published as pathogenic or benign to our knowledge; Not observed in large population cohorts (Lek et al., 2016)

NM_014141.6(CNTNAP2):c.2426A>G (p.Tyr809Cys)

Gene: CNTNAP2 (contactin associated protein 2; plus strand). Cytogenetic location: 7q35.
Variant type: single nucleotide variant.
Coding change: c.2426A>G on transcript NM_014141.6 (MANE Select); coding-DNA position 2426, A replaced by G.
Protein change: p.Tyr809Cys; replaces tyrosine 809 with cysteine.
Molecular consequence: missense variant.
Genome position (GRCh38, 1-based): chr7:148,118,160, A>G. VCF-style: chr7-148118160-A-G. GRCh37 (hg19) VCF-style: chr7-147815252-A-G.
Other names: short protein forms Y809C.
Identifiers: ClinVar variation 1317074 (VCV001317074.2), dbSNP rs2116608312, ClinGen allele CA369927246.